The following is an entry in ClinVar:

NM_016373.4(WWOX):c.1057-266T>C

Genes: MAF (MAF bZIP transcription factor; minus strand), WWOX (WW domain containing oxidoreductase; plus strand). Cytogenetic location: 16q23.2.
Variant type: single nucleotide variant.
Coding change: c.1057-266T>C on transcript NM_016373.4 (MANE Select); 266 bases into the intron before coding-DNA position 1057, T replaced by C.
Molecular consequence: intron variant.
Genome position (GRCh38, 1-based): chr16:79,211,342, T>C. VCF-style: chr16-79211342-T-C. GRCh37 (hg19) VCF-style: chr16-79245239-T-C.
Other names: c.718-266T>C (NM_001291997.2).
Identifiers: ClinVar variation 668843 (VCV000668843.2), dbSNP rs74488365, ClinGen allele CA14330243.

ClinVar aggregate classification (germline): Benign. Review status: criteria provided, multiple submitters, no conflicts (2 of 4 stars). 2 submissions from 2 submitters: Benign (2). Last evaluated 2018-06-19.

Allele frequency attached by ClinVar (database versions not stated): TOPMed 0.06124; gnomAD 0.06312 and 0.06464; 1000 Genomes Project 30x 0.07933; 1000 Genomes Project 0.08327.
gnomAD v4.1: 9,783 of 152,228 alleles (6.4%); highest among the groups gnomAD compares: East Asian, 23%; 438 homozygotes.

Submissions (2):

GeneDx
Classification: Benign. Last evaluated: 2018-06-19. Review status: criteria provided, single submitter. Criteria: GeneDx Variant Classification (06012015). Collection method: clinical testing. Allele origin: germline. Affected: yes.
Comment: This variant is considered likely benign or benign based on one or more of the following criteria: it is a conservative change, it occurs at a poorly conserved position in the protein, it is predicted to be benign by multiple in silico algorithms, and/or has population frequency not consistent with disease.

Breakthrough Genomics
Classification: Benign. Review status: criteria provided, single submitter. Criteria: ACMG Guidelines, 2015. Collection method: not provided. Allele origin: germline. Inheritance: Autosomal recessive inheritance. Affected: yes.